The following is an entry in ClinVar:

NM_001367624.2(ZNF469):c.10246A>C (p.Lys3416Gln)

Gene: ZNF469 (zinc finger protein 469; plus strand). Cytogenetic location: 16q24.2.
Variant type: single nucleotide variant.
Coding change: c.10246A>C on transcript NM_001367624.2 (MANE Select); coding-DNA position 10246, A replaced by C.
Protein change: p.Lys3416Gln; replaces lysine 3416 with glutamine.
Molecular consequence: missense variant.
Genome position (GRCh38, 1-based): chr16:88,437,716, A>C. VCF-style: chr16-88437716-A-C. GRCh37 (hg19) VCF-style: chr16-88504124-A-C.
Other names: NM_001127464.1:c.10162A>C; short protein forms K3416Q.
Identifiers: ClinVar variation 3476255 (VCV003476255.1).
Genomic context (GRCh38, chr16:88,437,716, plus strand): 5'-CTGCAGCACACGCCGCTGTATGCCTGCGAGCTCTGCGCCACGGTTATGCGCATCATCAAG[A>C]AGTCCTTCGCCTGCAGCTCCTGCAACTACACCTTCGCCAAGAAGGAGCAGTTCGACCGCC-3'
Protein context (NP_001354553.1, residues 3406-3426): LCATVMRIIK[Lys3416Gln]SFACSSCNYT

ClinVar aggregate classification (germline): Uncertain significance (1 of 4 stars; one submission).

Conditions:
Cardiovascular phenotype. Identifiers: MedGen CN230736.

Submission:

Ambry Genetics
Classification: Uncertain significance for Cardiovascular phenotype. Last evaluated: 2024-10-28. Review status: criteria provided, single submitter. Criteria: Ambry Variant Classification Scheme 2023. Collection method: clinical testing. Allele origin: germline.
Comment: The p.K3388Q variant (also known as c.10162A>C), located in coding exon 2 of the ZNF469 gene, results from an A to C substitution at nucleotide position 10162. The lysine at codon 3388 is replaced by glutamine, an amino acid with similar properties. This amino acid position is conserved. In addition, this alteration is predicted to be tolerated by in silico analysis. Based on the available evidence, the clinical significance of this variant remains unclear.